The following is an entry in ClinVar:

NM_000089.4(COL1A2):c.3403G>T (p.Val1135Phe)

Gene: COL1A2 (collagen type I alpha 2 chain; plus strand). Cytogenetic location: 7q21.3.
Variant type: single nucleotide variant.
Coding change: c.3403G>T on transcript NM_000089.4 (MANE Select); coding-DNA position 3403, G replaced by T.
Protein change: p.Val1135Phe; replaces valine 1135 with phenylalanine.
Molecular consequence: missense variant.
Genome position (GRCh38, 1-based): chr7:94,427,762, G>T. VCF-style: chr7-94427762-G-T. GRCh37 (hg19) VCF-style: chr7-94057074-G-T.
Other names: short protein forms V1135F.
Identifiers: ClinVar variation 2140338 (VCV002140338.5), dbSNP rs530579987, ClinGen allele CA162941196.

ClinVar aggregate classification (germline): Uncertain significance. Review status: criteria provided, multiple submitters, no conflicts (2 of 4 stars). 2 submissions from 2 submitters: Uncertain significance (2). Last evaluated 2025-07-14.

Conditions:
Cardiovascular phenotype. Identifiers: MedGen CN230736.
Ehlers-Danlos syndrome, classic type, 1 (EDSCL1). Also called: Ehlers-Danlos Syndrome, Classic Type, COL5A1-Related; EHLERS-DANLOS SYNDROME, GRAVIS TYPE; EHLERS-DANLOS SYNDROME, SEVERE CLASSIC TYPE; Ehlers-Danlos syndrome, type 1; EDS I. Identifiers: MedGen C0268335, MONDO:0019567, OMIM 130000.
Osteogenesis imperfecta type I (OI1). Also called: OI, TYPE I; OSTEOGENESIS IMPERFECTA TARDA; OSTEOGENESIS IMPERFECTA WITH BLUE SCLERAE; Osteogenesis imperfecta type 1; Classic Non-deforming Osteogenesis Imperfecta with Blue Sclerae; Lobstein's Disease. Identifiers: Orphanet 216796, Orphanet 666, MedGen C0023931, MONDO:0008146, OMIM 166200. Disease mechanism: loss of function.

gnomAD v4.1: 1 of 1,614,136 alleles (0.000062%); highest among the groups gnomAD compares: Non-Finnish European, 0.000085%; no homozygotes.

Submissions (2):

Ambry Genetics
Classification: Uncertain significance for Cardiovascular phenotype. Last evaluated: 2025-07-14. Review status: criteria provided, single submitter. Criteria: Ambry Variant Classification Scheme 2023. Collection method: clinical testing. Allele origin: germline.
Comment: The p.V1135F variant (also known as c.3403G>T), located in coding exon 49 of the COL1A2 gene, results from a G to T substitution at nucleotide position 3403. The valine at codon 1135 is replaced by phenylalanine, an amino acid with highly similar properties. This amino acid position is highly conserved in available vertebrate species. In addition, this alteration is predicted to be deleterious by in silico analysis. Based on the available evidence, the clinical significance of this variant remains unclear.

Labcorp Genetics (formerly Invitae), Labcorp
Classification: Uncertain significance for Osteogenesis imperfecta type I; Ehlers-Danlos syndrome, classic type, 1. Last evaluated: 2022-06-08. Review status: criteria provided, single submitter. Criteria: Invitae Variant Classification Sherloc (09022015). Collection method: clinical testing. Allele origin: germline.
Comment: This variant has not been reported in the literature in individuals affected with COL1A2-related conditions. Algorithms developed to predict the effect of missense changes on protein structure and function are either unavailable or do not agree on the potential impact of this missense change (SIFT: "Deleterious"; PolyPhen-2: "Not Available"; Align-GVGD: "Class C0"). In summary, the available evidence is currently insufficient to determine the role of this variant in disease. Therefore, it has been classified as a Variant of Uncertain Significance. This sequence change replaces valine, which is neutral and non-polar, with phenylalanine, which is neutral and non-polar, at codon 1135 of the COL1A2 protein (p.Val1135Phe). This variant is not present in population databases (gnomAD no frequency).